The following is an entry in ClinVar:

ClinVar aggregate classification (germline): Pathogenic/Likely pathogenic. Review status: criteria provided, multiple submitters, no conflicts (2 of 4 stars). 5 submissions from 5 submitters: Pathogenic (4); Likely pathogenic (1). Last evaluated 2023-06-16.

Conditions:
Hereditary cancer-predisposing syndrome. Also called: Hereditary neoplastic syndrome; Neoplastic Syndromes, Hereditary; Tumor predisposition; Hereditary Cancer Syndrome. Identifiers: Orphanet 140162, MedGen C0027672, MeSH D009386, MONDO:0015356.
Hereditary breast ovarian cancer syndrome. Also called: Hereditary breast and/or ovarian cancer syndrome; BRCA1- and BRCA2-Associated Hereditary Breast and Ovarian Cancer; Hereditary breast and ovarian cancer; Breast and ovarian cancer; Hereditary breast and ovarian cancer syndrome; Hereditary breast and ovarian cancer syndrome (HBOC). Identifiers: Orphanet 145, MedGen C0677776, MeSH D061325, MONDO:0003582. Disease mechanism: loss of function.
Breast-ovarian cancer, familial, susceptibility to, 2 (BROVCA2). Also called: BRCA2 Hereditary Breast and Ovarian Cancer. Identifiers: Orphanet 145, MedGen C2675520, MONDO:0012933, OMIM 612555. Disease mechanism: loss of function.
Familial cancer of breast. Also called: BREAST CANCER, FAMILIAL; hereditary breast carcinoma; Hereditary breast cancer. Identifiers: Orphanet 227535, MedGen C0346153, MONDO:0016419, OMIM 114480. Disease mechanism: loss of function.

Submissions (5):

Ambry Genetics
Classification: Pathogenic for Hereditary cancer-predisposing syndrome. Last evaluated: 2023-06-16. Review status: criteria provided, single submitter. Criteria: Ambry Variant Classification Scheme 2023. Collection method: clinical testing. Allele origin: germline.
Comment: The p.C138* pathogenic mutation (also known as c.414T>A), located in coding exon 3 of the BRCA2 gene, results from a T to A substitution at nucleotide position 414. This changes the amino acid from a cysteine to a stop codon within coding exon 3. This variant was observed in an individual with early onset-breast cancer amongst a cohort of 1781 non-Ashkenazi Jewish individuals undergoing BRCA1/2 gene testing based on a personal history of breast cancer (Tung N et al. Cancer, 2015 Jan;121:25-33). This variant is considered to be rare based on population cohorts in the Genome Aggregation Database (gnomAD). In addition to the clinical data presented in the literature, this alteration is expected to result in loss of function by premature protein truncation or nonsense-mediated mRNA decay. As such, this alteration is interpreted as a disease-causing mutation.

KCCC/NGS Laboratory, Kuwait Cancer Control Center
Classification: Pathogenic for Breast-ovarian cancer, familial, susceptibility to, 2. Last evaluated: 2023-06-06. Review status: criteria provided, single submitter. Criteria: ACMG Guidelines, 2015. Collection method: clinical testing. Allele origin: germline. Affected: yes.

Laboratory for Molecular Medicine, Mass General Brigham Personalized Medicine
Classification: Pathogenic for Familial cancer of breast. Last evaluated: 2023-02-02. Review status: criteria provided, single submitter. Criteria: ACMG Guidelines, 2015. Collection method: clinical testing. Allele origin: germline.
Comment: The variant has also been reported in ClinVar (Variation ID 462327). This nonsense variant leads to a premature termination codon at position 138, which is predicted to lead to a truncated or absent protein. Loss of function of the BRCA2 gene is an established disease mechanism for autosomal dominant hereditary breast cancer. In summary, this variant meets criteria to be classified as pathogenic for autosomal dominant hereditary breast cancer. ACMG/AMP criteria applied: PVS1, PS4_Supporting, PM2_Supporting.

Revvity Omics, Revvity
Classification: Likely pathogenic. Last evaluated: 2022-06-22. Review status: criteria provided, single submitter. Criteria: ACMG Guidelines, 2015. Collection method: clinical testing. Allele origin: germline.

Labcorp Genetics (formerly Invitae), Labcorp
Classification: Pathogenic for Hereditary breast ovarian cancer syndrome. Last evaluated: 2022-06-03. Review status: criteria provided, single submitter. Criteria: Invitae Variant Classification Sherloc (09022015). Collection method: clinical testing. Allele origin: germline.
Comment: For these reasons, this variant has been classified as Pathogenic. ClinVar contains an entry for this variant (Variation ID: 462327). This premature translational stop signal has been observed in individual(s) with breast cancer (PMID: 25186627). This variant is not present in population databases (gnomAD no frequency). This sequence change creates a premature translational stop signal (p.Cys138*) in the BRCA2 gene. It is expected to result in an absent or disrupted protein product. Loss-of-function variants in BRCA2 are known to be pathogenic (PMID: 20104584).

Literature cited by the submitters: PubMed 25186627 (cited by Ambry Genetics and Labcorp Genetics (formerly Invitae), Labcorp); PubMed 20104584 (cited by Labcorp Genetics (formerly Invitae), Labcorp).

NM_000059.4(BRCA2):c.414T>A (p.Cys138Ter)

Gene: BRCA2 (BRCA2 DNA repair associated; plus strand). Cytogenetic location: 13q13.1.
Variant type: single nucleotide variant.
Coding change: c.414T>A on transcript NM_000059.4 (MANE Select); coding-DNA position 414, T replaced by A.
Protein change: p.Cys138Ter; replaces cysteine 138 with a stop codon.
Molecular consequence: nonsense.
Genome position (GRCh38, 1-based): chr13:32,325,173, T>A. VCF-style: chr13-32325173-T-A. GRCh37 (hg19) VCF-style: chr13-32899310-T-A.
Other names: short protein forms C138*.
Identifiers: ClinVar variation 462327 (VCV000462327.21), dbSNP rs1555280869, ClinGen allele CA387756754.
Genomic context (GRCh38, chr13:32,325,173, plus strand): 5'-CACAGTGAAAACTAAAATGGATCAAGCAGATGATGTTTCCTGTCCACTTCTAAATTCTTG[T>A]CTTAGTGAAAGGTATGATGAAGCTATTATATTAAAATATTTAAATGAAACATTTTCCTAC-3'